The following is an entry in ClinVar:

ClinVar aggregate classification (germline): Uncertain significance (1 of 4 stars; one submission).

Submission:

Ambry Genetics
Classification: Uncertain significance. Last evaluated: 2024-03-22. Review status: criteria provided, single submitter. Criteria: Ambry Variant Classification Scheme 2023. Collection method: clinical testing. Allele origin: germline.
Comment: The p.D38H variant (also known as c.112G>C), located in coding exon 1 of the IDH1 gene, results from a G to C substitution at nucleotide position 112. The aspartic acid at codon 38 is replaced by histidine, an amino acid with similar properties. This amino acid position is conserved. In addition, this alteration is predicted to be deleterious by in silico analysis. Based on the available evidence, the clinical significance of this alteration remains unclear.

NM_005896.4(IDH1):c.112G>C (p.Asp38His)

Gene: IDH1 (isocitrate dehydrogenase (NADP(+)) 1; minus strand). Cytogenetic location: 2q34.
Variant type: single nucleotide variant.
Coding change: c.112G>C on transcript NM_005896.4 (MANE Select); coding-DNA position 112, G replaced by C.
Protein change: p.Asp38His; replaces aspartic acid 38 with histidine.
Molecular consequence: missense variant.
Genome position (GRCh38, 1-based): chr2:208,251,440, C>G on the plus strand (G>C on the coding strand, the complement: IDH1 is on the minus strand). VCF-style: chr2-208251440-C-G. GRCh37 (hg19) VCF-style: chr2-209116164-C-G.
Other names: c.112G>C, p.Asp38His (NM_001282386.1, NM_001282387.1); short protein forms D38H.
Identifiers: ClinVar variation 3285230 (VCV003285230.1).
Genomic context (GRCh38, chr2:208,251,440, plus strand): 5'-AGCCAGATTATCCTTTCTGAGTTTGCTACACGGAGGGGTAACTCATTTACCTATGTAGAT[C>G]CAATTCCACGTAGGGAAAAATGAGTTTCTCTTTAATCAATTCCCAAATGATTCGTGTCAT-3'
Protein context (NP_005887.2, residues 28-48): EKLIFPYVEL[Asp38His]LHSYDLGIEN